The following is an entry in ClinVar:

ClinVar aggregate classification (germline): Pathogenic/Likely pathogenic. Review status: criteria provided, multiple submitters, no conflicts (2 of 4 stars). 2 submissions from 2 submitters: Pathogenic (1); Likely pathogenic (1). Last evaluated 2025-10-03.

Conditions:
Polycystic kidney disease, adult type (PKD1). Also called: Polycystic Kidney, Autosomal Dominant; POLYCYSTIC KIDNEY DISEASE, ADULT, TYPE I; Polycystic Kidney Disease 1, Autosomal Dominant; Polycystic kidney disease 1; Polycystic kidney disease 1, severe; POLYCYSTIC KIDNEY DISEASE 1 WITH OR WITHOUT POLYCYSTIC LIVER DISEASE. Identifiers: MedGen C3149841, MONDO:0008263, OMIM 173900.
PKD1-related disorder. Also called: PKD1-related condition.

Submissions (2):

Women's Health and Genetics/Laboratory Corporation of America, LabCorp
Classification: Pathogenic for Polycystic kidney disease, adult type. Last evaluated: 2025-10-03. Review status: criteria provided, single submitter. Criteria: LabCorp Variant Classification Summary - May 2015. Collection method: clinical testing. Allele origin: germline.
Comment: Variant summary: PKD1 c.11343delC (p.Tyr3781X) results in a premature termination codon, predicted to cause a truncation of the encoded protein or absence of the protein due to nonsense mediated decay, which are commonly known mechanisms for disease. The variant was absent in 249594 control chromosomes. To our knowledge, no occurrence of c.11343delC in individuals affected with PKD1-related conditions and no experimental evidence demonstrating its impact on protein function have been reported. No submitters have cited clinical-significance assessments for this variant to ClinVar. Based on the evidence outlined above, the variant was classified as pathogenic.

Blueprint Genetics
Classification: Likely pathogenic for PKD1-related disorders. Last evaluated: 2022-02-09. Review status: criteria provided, single submitter. Criteria: ACMG Guidelines, 2015. Collection method: clinical testing. Allele origin: germline. Affected: yes. Observed: 2 variant alleles.

NM_001009944.3(PKD1):c.11343del (p.Asp3780_Tyr3781insTer)

Genes: PKD1 (polycystin 1, transient receptor potential channel interacting; minus strand), PKD1-AS1 (PKD1 antisense RNA 1; plus strand). Cytogenetic location: 16p13.3.
Variant type: Deletion.
Coding change: c.11343del on transcript NM_001009944.3 (MANE Select); coding-DNA position 11343, one base deleted (C; older notation c.11343delC).
Protein change: p.Asp3780_Tyr3781insTer.
Molecular consequence: nonsense.
Genome position (GRCh38, 1-based): chr16:2,092,115, G deleted on the plus strand (C on the coding strand, the reverse complement: PKD1 is on the minus strand). VCF-style (leftmost placement, unchanged base first): chr16-2092114-CG-C. GRCh37 (hg19) VCF-style: chr16-2142115-CG-C.
Other names: c.11340del, p.Asp3779_Tyr3780insTer (NM_000296.4); c.11343delC (NM_001009944.3).
Identifiers: ClinVar variation 4687580 (VCV004687580.2).